The following is an entry in ClinVar:

NM_001848.3(COL6A1):c.*302G>T

Gene: COL6A1 (collagen type VI alpha 1 chain; plus strand). Cytogenetic location: 21q22.3.
Variant type: single nucleotide variant.
Coding change: c.*302G>T on transcript NM_001848.3 (MANE Select); 302 bases downstream of the stop codon, G replaced by T.
Molecular consequence: 3 prime UTR variant.
Genome position (GRCh38, 1-based): chr21:46,004,315, G>T. VCF-style: chr21-46004315-G-T. GRCh37 (hg19) VCF-style: chr21-47424229-G-T.
Identifiers: ClinVar variation 340338 (VCV000340338.5), dbSNP rs538359005, ClinGen allele CA10650693.

ClinVar aggregate classification (germline): Benign (1 of 4 stars; one submission).

Conditions:
Collagen 6-related myopathy. Identifiers: MedGen CN117976, MONDO:0100225.

Allele frequency attached by ClinVar (database versions not stated): gnomAD exomes 0.00011; gnomAD 0.00085 and 0.00093; 1000 Genomes Project 0.00100; TOPMed 0.00100; 1000 Genomes Project 30x 0.00109.

Submission:

Illumina Laboratory Services, Illumina
Classification: Benign for Collagen VI-related myopathy. Last evaluated: 2018-01-13. Review status: criteria provided, single submitter. Criteria: ICSL Variant Classification Criteria 13 December 2019. Collection method: clinical testing. Allele origin: germline.
Comment: This variant was observed in the ICSL laboratory as part of a predisposition screen in an ostensibly healthy population. It had not been previously curated by ICSL or reported in the Human Gene Mutation Database (HGMD: prior to June 1st, 2018), and was therefore a candidate for classification through an automated scoring system. Utilizing variant allele frequency, disease prevalence and penetrance estimates, and inheritance mode, an automated score was calculated to assess if this variant is too frequent to cause the disease. Based on the score and internal cut-off values, a variant classified as benign is not then subjected to further curation. The score for this variant resulted in a classification of benign for this disease.